The following is an entry in ClinVar:

ClinVar aggregate classification (germline): Uncertain significance (1 of 4 stars; one submission).

Conditions:
ALG8 congenital disorder of glycosylation. Also called: ALG8-CDG; CONGENITAL DISORDER OF GLYCOSYLATION, TYPE Ih; CDG Ih. Identifiers: Orphanet 79325, MedGen C2931002, MONDO:0011969, OMIM 608104.

Allele frequency attached by ClinVar (database versions not stated): gnomAD exomes below 0.00001; ExAC 0.00001.
gnomAD v4.1: 4 of 1,614,014 alleles (0.00025%); highest among the groups gnomAD compares: South Asian, 0.0044%; no homozygotes.

Submission:

MGZ Medical Genetics Center
Classification: Uncertain significance for ALG8 congenital disorder of glycosylation. Last evaluated: 2022-06-14. Review status: criteria provided, single submitter. Criteria: ACMG Guidelines, 2015. Collection method: clinical testing. Allele origin: germline. Affected: yes. Observed: 1 variant allele.
Comment: ACMG criteria applied: PS4_SUP, PM2_SUP, PM3_SUP, PP3

NM_024079.5(ALG8):c.808T>C (p.Phe270Leu)

Gene: ALG8 (ALG8 alpha-1,3-glucosyltransferase; minus strand). Cytogenetic location: 11q14.1.
Variant type: single nucleotide variant.
Coding change: c.808T>C on transcript NM_024079.5 (MANE Select); coding-DNA position 808, T replaced by C.
Protein change: p.Phe270Leu; replaces phenylalanine 270 with leucine.
Molecular consequence: missense variant.
Genome position (GRCh38, 1-based): chr11:78,112,740, A>G on the plus strand (T>C on the coding strand, the complement: ALG8 is on the minus strand). VCF-style: chr11-78112740-A-G. GRCh37 (hg19) VCF-style: chr11-77823786-A-G.
Other names: c.808T>C, p.Phe270Leu (NM_001007027.3); short protein forms F270L.
Identifiers: ClinVar variation 1709526 (VCV001709526.2), dbSNP rs745411555, ClinGen allele CA6203326.